The following is an entry in ClinVar:

NM_003060.4(SLC22A5):c.122T>G (p.Phe41Cys)

Gene: SLC22A5 (solute carrier family 22 member 5; plus strand). Cytogenetic location: 5q31.1.
Variant type: single nucleotide variant.
Coding change: c.122T>G on transcript NM_003060.4 (MANE Select); coding-DNA position 122, T replaced by G.
Protein change: p.Phe41Cys; replaces phenylalanine 41 with cysteine.
Molecular consequence: missense variant.
Genome position (GRCh38, 1-based): chr5:132,370,094, T>G. VCF-style: chr5-132370094-T-G. GRCh37 (hg19) VCF-style: chr5-131705786-T-G.
Other names: p.Phe41Cys; c.122T>G, p.Phe41Cys (NM_001308122.2); short protein forms F41C.
Identifiers: ClinVar variation 575694 (VCV000575694.14), dbSNP rs1335556134, ClinGen allele CA360802423.

ClinVar aggregate classification (germline): Conflicting classifications of pathogenicity. Review status: criteria provided, conflicting classifications (1 of 4 stars). 4 submissions from 4 submitters: Likely pathogenic (1); Uncertain significance (2). 1 of the submissions does not count toward it. Last evaluated 2026-01-22.

Conditions:
Decreased circulating carnitine concentration. Also called: Decreased plasma carnitine. Identifiers: MedGen C5848230, HP:0003234.
Renal carnitine transport defect (CDSP). Also called: CARNITINE DEFICIENCY, SYSTEMIC, DUE TO DEFECT IN RENAL REABSORPTION OF CARNITINE; CARNITINE TRANSPORTER, PLASMA-MEMBRANE, DEFICIENCY OF; CARNITINE UPTAKE DEFECT; Carnitine transporter deficiency; Carnitine Deficiency, Systemic; Primary carnitine deficiency. Identifiers: Orphanet 158, MedGen C0342788, MONDO:0008919, OMIM 212140.

Allele frequency attached by ClinVar (database versions not stated): TOPMed below 0.00001; gnomAD 0.00001; gnomAD exomes 0.00001.
gnomAD v4.1: 15 of 1,612,544 alleles (0.00093%); highest among the groups gnomAD compares: Non-Finnish European, 0.0013%; no homozygotes.

Submissions (4):

Labcorp Genetics (formerly Invitae), Labcorp
Classification: Likely pathogenic for Renal carnitine transport defect. Last evaluated: 2026-01-22. Review status: criteria provided, single submitter. Criteria: Invitae Variant Classification Sherloc (09022015). Collection method: clinical testing. Allele origin: germline.
Comment: This sequence change replaces phenylalanine, which is neutral and non-polar, with cysteine, which is neutral and slightly polar, at codon 41 of the SLC22A5 protein (p.Phe41Cys). This variant is present in population databases (no rsID available, gnomAD 0.003%). This missense change has been observed in individual(s) with primary carnitine deficiency (internal data). In at least one individual the data is consistent with being in trans (on the opposite chromosome) from a pathogenic variant. ClinVar contains an entry for this variant (Variation ID: 575694). Invitae Evidence Modeling of protein sequence and biophysical properties (such as structural, functional, and spatial information, amino acid conservation, physicochemical variation, residue mobility, and thermodynamic stability) indicates that this missense variant is expected to disrupt SLC22A5 protein function with a positive predictive value of 95%. In summary, the currently available evidence indicates that the variant is pathogenic, but additional data are needed to prove that conclusively. Therefore, this variant has been classified as Likely Pathogenic.

GeneDx
Classification: Uncertain significance. Last evaluated: 2025-08-06. Review status: criteria provided, single submitter. Criteria: GeneDx Variant Classification Process June 2021. Collection method: clinical testing. Allele origin: germline. Affected: yes.
Comment: Not observed at significant frequency in large population cohorts (gnomAD); In silico analysis supports that this missense variant has a deleterious effect on protein structure/function; Has not been previously published as pathogenic or benign to our knowledge

Giacomini Lab, University of California, San Francisco
Classification: Uncertain significance for Renal carnitine transport defect. Last evaluated: 2022-10-03. Review status: criteria provided, single submitter. Criteria: ACMG Guidelines, 2015. Collection method: research, in vitro. Allele origin: germline, not applicable.

Natera, Inc.
Classification: Uncertain significance for Carnitine deficiency. Last evaluated: 2021-05-13. Review status: no assertion criteria provided. Collection method: clinical testing. Allele origin: germline. Not counted in ClinVar's aggregate classification.